The following is an entry in ClinVar:

NM_001271696.3(ABCB7):c.1304G>T (p.Arg435Ile)

Gene: ABCB7 (ATP binding cassette subfamily B member 7; minus strand). Cytogenetic location: Xq13.3.
Variant type: single nucleotide variant.
Coding change: c.1304G>T on transcript NM_001271696.3 (MANE Select); coding-DNA position 1304, G replaced by T.
Protein change: p.Arg435Ile; replaces arginine 435 with isoleucine.
Molecular consequence: missense variant.
Genome position (GRCh38, 1-based): chrX:75,070,426, C>A on the plus strand (G>T on the coding strand, the complement: ABCB7 is on the minus strand). VCF-style: chrX-75070426-C-A. GRCh37 (hg19) VCF-style: chrX-74290261-C-A.
Other names: c.1184G>T, p.Arg395Ile (NM_001271697.3); c.1226G>T, p.Arg409Ile (NM_001271698.3); c.1187G>T, p.Arg396Ile (NM_001271699.3); c.1307G>T, p.Arg436Ile (NM_004299.6); short protein forms R396I, R395I, R409I, R435I, R436I.
Identifiers: ClinVar variation 3645094 (VCV003645094.2).
Genomic context (GRCh38, chrX:75,070,426, plus strand): 5'-TTAATTTGGGTGTCTACCTTGAGTAGAGTAAACAAGGTGTTCATATCTATGAGTGCTTGT[C>A]TAGTCTCTCTATATACAGTTCCCAGAAAGTTCAGGGGTAATGAAAGCTGAAAAAGCAGTC-3'
Protein context (NP_001258625.1, residues 425-445): NFLGTVYRET[Arg435Ile]QALIDMNTLF

ClinVar aggregate classification (germline): Uncertain significance (1 of 4 stars; one submission).

Submission:

Labcorp Genetics (formerly Invitae), Labcorp
Classification: Uncertain significance. Last evaluated: 2025-04-28. Review status: criteria provided, single submitter. Criteria: Invitae Variant Classification Sherloc (09022015). Collection method: clinical testing. Allele origin: germline.
Comment: This sequence change replaces arginine, which is basic and polar, with isoleucine, which is neutral and non-polar, at codon 436 of the ABCB7 protein (p.Arg436Ile). This variant is not present in population databases (gnomAD no frequency). This variant has not been reported in the literature in individuals affected with ABCB7-related conditions. ClinVar contains an entry for this variant (Variation ID: 3645094). An algorithm developed to predict the effect of missense changes on protein structure and function (PolyPhen-2) suggests that this variant is likely to be disruptive. In summary, the available evidence is currently insufficient to determine the role of this variant in disease. Therefore, it has been classified as a Variant of Uncertain Significance.